The following is an entry in ClinVar:

NM_000064.4(C3):c.1303G>A (p.Glu435Lys)

Gene: C3 (complement C3; minus strand). Cytogenetic location: 19p13.3.
Variant type: single nucleotide variant.
Coding change: c.1303G>A on transcript NM_000064.4 (MANE Select); coding-DNA position 1303, G replaced by A.
Protein change: p.Glu435Lys; replaces glutamic acid 435 with lysine.
Molecular consequence: missense variant.
Genome position (GRCh38, 1-based): chr19:6,711,163, C>T on the plus strand (G>A on the coding strand, the complement: C3 is on the minus strand). VCF-style: chr19-6711163-C-T. GRCh37 (hg19) VCF-style: chr19-6711174-C-T.
Other names: c.1303G>A (LRG_27t1); short protein forms E435K.
Identifiers: ClinVar variation 330326 (VCV000330326.11), dbSNP rs774826179, ClinGen allele CA9129487.

ClinVar aggregate classification (germline): Uncertain significance. Review status: criteria provided, multiple submitters, no conflicts (2 of 4 stars). 5 submissions from 3 submitters: Uncertain significance (5). Last evaluated 2025-03-18.

Conditions:
Atypical hemolytic-uremic syndrome. Identifiers: Orphanet 2134, MedGen C2931788, MONDO:0016244.
Age related macular degeneration 9. Identifiers: MedGen C1969651, MONDO:0012659, OMIM 611378.
Atypical hemolytic-uremic syndrome with C3 anomaly. Also called: AHUS, SUSCEPTIBILITY TO, 5. Identifiers: Orphanet 2134, MedGen C2752037, MONDO:0013043, OMIM 612925.
Complement component 3 deficiency. Identifiers: Orphanet 280133, MedGen C3151071, MONDO:0013417, OMIM 613779.

Allele frequency attached by ClinVar (database versions not stated): gnomAD exomes below 0.00001; ExAC 0.00001; gnomAD 0.00002; TOPMed 0.00002.

Submissions (5):

Labcorp Genetics (formerly Invitae), Labcorp
Classification: Uncertain significance. Last evaluated: 2025-03-18. Review status: criteria provided, single submitter. Criteria: Invitae Variant Classification Sherloc (09022015). Collection method: clinical testing. Allele origin: germline.
Comment: This sequence change replaces glutamic acid, which is acidic and polar, with lysine, which is basic and polar, at codon 435 of the C3 protein (p.Glu435Lys). This variant is present in population databases (rs774826179, gnomAD 0.004%). This variant has not been reported in the literature in individuals affected with C3-related conditions. ClinVar contains an entry for this variant (Variation ID: 330326). Invitae Evidence Modeling of protein sequence and biophysical properties (such as structural, functional, and spatial information, amino acid conservation, physicochemical variation, residue mobility, and thermodynamic stability) indicates that this missense variant is not expected to disrupt C3 protein function with a negative predictive value of 80%. In summary, the available evidence is currently insufficient to determine the role of this variant in disease. Therefore, it has been classified as a Variant of Uncertain Significance.

Genome Diagnostics Laboratory, The Hospital for Sick Children
Classification: Uncertain significance for Atypical hemolytic-uremic syndrome. Last evaluated: 2020-12-08. Review status: criteria provided, single submitter. Criteria: ACMG Guidelines, 2015. Collection method: clinical testing. Allele origin: germline.

Illumina Laboratory Services, Illumina
Classification: Uncertain significance for Complement component 3 deficiency. Last evaluated: 2018-01-13. Review status: criteria provided, single submitter. Criteria: ICSL Variant Classification Criteria 13 December 2019. Collection method: clinical testing. Allele origin: germline.

Illumina Laboratory Services, Illumina
Classification: Uncertain significance for Atypical hemolytic-uremic syndrome with C3 anomaly. Last evaluated: 2018-01-13. Review status: criteria provided, single submitter. Criteria: ICSL Variant Classification Criteria 13 December 2019. Collection method: clinical testing. Allele origin: germline.

Illumina Laboratory Services, Illumina
Classification: Uncertain significance for Age related macular degeneration 9. Last evaluated: 2018-01-13. Review status: criteria provided, single submitter. Criteria: ICSL Variant Classification Criteria 13 December 2019. Collection method: clinical testing. Allele origin: germline.